The following is an entry in ClinVar:

NC_000004.12:g.1395122G>C

Genes: CRIPAK (cysteine rich PAK1 inhibitor; plus strand), UVSSA (UV stimulated scaffold protein A; plus strand), LOC126806945 (P300/CBP strongly-dependent group 1 enhancer GRCh37_chr4:1388225-1389424; plus strand). Cytogenetic location: 4p16.3.
Variant type: single nucleotide variant.
Molecular consequence: missense variant (on NM_175918.3).
Genome position: GRCh38 VCF-style: chr4-1395122-G-C. GRCh37 (hg19) VCF-style: chr4-1388910-G-C.
Other names: c.611G>C, p.Arg204Pro (NM_175918.3); short protein forms R204P.
Identifiers: ClinVar variation 2289740 (VCV002289740.26), dbSNP rs79300175, ClinGen allele CA2807018.

ClinVar aggregate classification (germline): Conflicting classifications of pathogenicity. Review status: criteria provided, conflicting classifications (1 of 4 stars). 2 submissions from 2 submitters: Uncertain significance (1); Benign (1). Last evaluated 2025-04-07.

Allele frequency attached by ClinVar (database versions not stated): gnomAD exomes 0.00222; ESP Exome Variant Server 0.00601; 1000 Genomes Project 0.00799.
gnomAD v4.1: 2,996 of 1,222,962 alleles (0.24%); highest among the groups gnomAD compares: African/African-American, 1.1%; 705 homozygotes.

Submissions (2):

Ambry Genetics
Classification: Uncertain significance. Last evaluated: 2025-04-07. Review status: criteria provided, single submitter. Criteria: Ambry Variant Classification Scheme 2023. Collection method: clinical testing. Allele origin: germline.

CeGaT Center for Human Genetics Tuebingen
Classification: Benign. Last evaluated: 2023-03-01. Review status: criteria provided, single submitter. Criteria: CeGaT Center For Human Genetics Tuebingen Variant Classification Criteria Version 2. Collection method: clinical testing. Allele origin: germline. Affected: yes. Observed: 2 variant alleles.
Comment: CRIPAK: BS1, BS2